The following is an entry in ClinVar:

NM_000051.4(ATM):c.1146C>T (p.Val382=)

Gene: ATM (ATM serine/threonine kinase; plus strand). Cytogenetic location: 11q22.3.
Variant type: single nucleotide variant.
Coding change: c.1146C>T on transcript NM_000051.4 (MANE Select); coding-DNA position 1146, C replaced by T.
Protein change: p.Val382=; no amino-acid change (valine 382 retained).
Molecular consequence: synonymous variant.
Genome position (GRCh38, 1-based): chr11:108,249,013, C>T. VCF-style: chr11-108249013-C-T. GRCh37 (hg19) VCF-style: chr11-108119740-C-T.
Other names: c.1146C>T, p.Val382= (NM_001351834.2).
Identifiers: ClinVar variation 183905 (VCV000183905.17), dbSNP rs786201150, ClinGen allele CA186941.

ClinVar aggregate classification (germline): Benign/Likely benign. Review status: criteria provided, multiple submitters, no conflicts (2 of 4 stars). 3 submissions from 3 submitters: Benign (1); Likely benign (2). Last evaluated 2025-08-12.

Conditions:
Hereditary cancer-predisposing syndrome. Also called: Tumor predisposition; Hereditary Cancer Syndrome; Hereditary neoplastic syndrome; Neoplastic Syndromes, Hereditary. Identifiers: Orphanet 140162, MedGen C0027672, MeSH D009386, MONDO:0015356.
Familial cancer of breast. Also called: BREAST CANCER, FAMILIAL; hereditary breast carcinoma; Hereditary breast cancer. Identifiers: Orphanet 227535, MedGen C0346153, MONDO:0016419, OMIM 114480. Disease mechanism: loss of function.
Ataxia-telangiectasia syndrome (AT). Also called: LOUIS-BAR SYNDROME; Cerebello-oculocutaneous telangiectasia; Immunodeficiency with ataxia telangiectasia; ATAXIA-TELANGIECTASIA, COMPLEMENTATION GROUP A; ATAXIA-TELANGIECTASIA, FRESNO VARIANT; Ataxia-telangiectasia. Identifiers: Orphanet 100, MedGen C0004135, MONDO:0008840, OMIM 208900.

Allele frequency attached by ClinVar (database versions not stated): gnomAD exomes below 0.00001; TOPMed below 0.00001.
gnomAD v4.1: 1 of 1,613,556 alleles (0.000062%); highest among the groups gnomAD compares: East Asian, 0.0022%; no homozygotes.

Submissions (3):

Labcorp Genetics (formerly Invitae), Labcorp
Classification: Likely benign for Ataxia-telangiectasia syndrome. Last evaluated: 2025-08-12. Review status: criteria provided, single submitter. Criteria: Invitae Variant Classification Sherloc (09022015). Collection method: clinical testing. Allele origin: germline.

Myriad Genetics, Inc.
Classification: Benign for Familial cancer of breast. Last evaluated: 2024-04-25. Review status: criteria provided, single submitter. Criteria: Myriad Autosomal Dominant, Autosomal Recessive and X-Linked Classification Criteria (2023). Collection method: clinical testing. Allele origin: unknown.
Comment: This variant is considered benign. This variant is a silent/synonymous amino acid change and it is not expected to impact splicing.

Ambry Genetics
Classification: Likely benign for Hereditary cancer-predisposing syndrome. Last evaluated: 2019-10-14. Review status: criteria provided, single submitter. Criteria: Ambry Variant Classification Scheme 2023. Collection method: clinical testing. Allele origin: germline.